The following is an entry in ClinVar:

ClinVar aggregate classification (germline): Pathogenic/Likely pathogenic. Review status: criteria provided, multiple submitters, no conflicts (2 of 4 stars). 3 submissions from 3 submitters: Pathogenic (2); Likely pathogenic (1). Last evaluated 2026-09-03.

Conditions:
Nemaline myopathy. Also called: Myopathies, Nemaline. Identifiers: Orphanet 607, MedGen C0206157, MONDO:0018958.
Nemaline myopathy 2 (NEM2). Also called: Nemaline myopathy 2, autosomal recessive. Identifiers: MedGen C1850569, MONDO:0009725, OMIM 256030.

Allele frequency attached by ClinVar (database versions not stated): gnomAD exomes 0.00001.

Submissions (3):

Myriad Genetics, Inc.
Classification: Pathogenic for Nemaline myopathy 2. Last evaluated: 2026-09-03. Review status: criteria provided, single submitter. Criteria: Myriad Autosomal Dominant, Autosomal Recessive and X-Linked Classification Criteria (2023). Collection method: clinical testing. Allele origin: unknown.
Comment: NM_001271208.1(NEB):c.24626dupC(T8210Nfs*6) is a frameshift variant classified as pathogenic in the context of NEB-related nemaline myopathy. T8210Nfs*6 has not been observed in cases with relevant disease. Relevant functional assessments of this variant are not available in the literature. T8210Nfs*6 has been observed in referenced population frequency databases. In summary, NM_001271208.1(NEB):c.24626dupC(T8210Nfs*6) is a frameshift variant in a gene where loss of function is a known mechanism of disease and is predicted to disrupt protein function. Please note: this variant was assessed in the context of healthy population screening.

Broad Center for Mendelian Genomics, Broad Institute of MIT and Harvard
Classification: Likely pathogenic for Nemaline myopathy. Last evaluated: 2025-02-25. Review status: criteria provided, single submitter. Criteria: ACMG Guidelines, 2015. Collection method: curation. Allele origin: germline. Inheritance: Autosomal recessive inheritance.
Comment: The p.Thr8175AsnfsTer6 variant in NEB has not been previously reported in the literature in individuals with nemaline myopathy, but has been identified in 0.004% (3/89400) of South Asian chromosomes by the Genome Aggregation Database (gnomAD; dbSNP ID: rs1330332139). Although this variant has been seen in the general population in a heterozygous state, its frequency is low enough to be consistent with a recessive carrier frequency. This variant has also been reported in ClinVar (Variation ID: 452489) and has been interpreted as pathogenic by GeneDx. This variant is predicted to cause a frameshift, which alters the protein‚Äôs amino acid sequence beginning at position 8175 and leads to a premature termination codon 6 amino acids downstream. This alteration is then predicted to lead to a truncated or absent protein. Loss of function of the NEB gene is an established disease mechanism in autosomal recessive nemaline myopathy. In summary, although additional studies are required to fully establish its clinical significance, this variant is likely pathogenic for autosomal recessive nemaline myopathy. ACMG/AMP Criteria applied: PVS1, PM2_supporting (Richards 2015).

GeneDx
Classification: Pathogenic. Last evaluated: 2017-09-29. Review status: criteria provided, single submitter. Criteria: GeneDx Variant Classification (06012015). Collection method: clinical testing. Allele origin: germline. Affected: yes.
Comment: The c.24626dupC variant in the NEB gene has not been reported previously as a pathogenic variant nor as a benign variant, to our knowledge. The c.24626dupC variant causes a frameshift starting with codon Threonine 8210, changes this amino acid to an Asparagine residue, and creates a premature Stop codon at position 6 of the new reading frame, denoted p.T8210NfsX6. This variant is predicted to cause loss of normal protein function either through protein truncation or nonsense-mediated mRNA decay. The c.24626dupC variant is not observed at a significant frequency in large population cohorts (Lek et al., 2016). We interpret c.24626dupC as a pathogenic variant.

NM_001164508.2(NEB):c.24521dup (p.Thr8175fs)

Genes: NEB (nebulin; minus strand), RIF1 (replication timing regulatory factor 1; plus strand). Cytogenetic location: 2q23.3.
Variant type: Duplication.
Coding change: c.24521dup on transcript NM_001164508.2 (MANE Select); coding-DNA position 24521, one base duplicated (C; older notation c.24521dupC).
Protein change: p.Thr8175fs; shifts the reading frame from threonine 8175.
Molecular consequence: frameshift variant.
Genome position (GRCh38, 1-based): chr2:151,494,219, G duplicated on the plus strand (C on the coding strand, the reverse complement: NEB is on the minus strand). VCF-style (leftmost placement, unchanged base first): chr2-151494218-T-TG. GRCh37 (hg19) VCF-style: chr2-152350732-T-TG.
Other names: NM_001164508.2(NEB):c.24521dup; p.Thr8175fs; c.24521dup, p.Thr8175fs (NM_001164507.2); c.24626dup, p.Thr8210fs (NM_001271208.2); c.18953dup, p.Thr6319fs (NM_004543.5); c.24626dupC (NM_001271208.1); short protein forms T8210fs, T8175fs, T6319fs.
Identifiers: ClinVar variation 452489 (VCV000452489.4), dbSNP rs1330332139, ClinGen allele CA536637661.